The following is an entry in ClinVar:

ClinVar aggregate classification (germline): Uncertain significance (1 of 4 stars; one submission).

Allele frequency attached by ClinVar (database versions not stated): gnomAD exomes below 0.00001.

Submission:

Labcorp Genetics (formerly Invitae), Labcorp
Classification: Uncertain significance. Last evaluated: 2022-03-19. Review status: criteria provided, single submitter. Criteria: Invitae Variant Classification Sherloc (09022015). Collection method: clinical testing. Allele origin: germline.
Comment: In summary, the available evidence is currently insufficient to determine the role of this variant in disease. Therefore, it has been classified as a Variant of Uncertain Significance. Algorithms developed to predict the effect of missense changes on protein structure and function (SIFT, PolyPhen-2, Align-GVGD) all suggest that this variant is likely to be tolerated. This variant has not been reported in the literature in individuals affected with IL6ST-related conditions. This variant is not present in population databases (gnomAD no frequency). This sequence change replaces alanine, which is neutral and non-polar, with threonine, which is neutral and polar, at codon 512 of the IL6ST protein (p.Ala512Thr).

NM_002184.4(IL6ST):c.1534G>A (p.Ala512Thr)

Gene: IL6ST (interleukin 6 cytokine family signal transducer; minus strand). Cytogenetic location: 5q11.2.
Variant type: single nucleotide variant.
Coding change: c.1534G>A on transcript NM_002184.4 (MANE Select); coding-DNA position 1534, G replaced by A.
Protein change: p.Ala512Thr; replaces alanine 512 with threonine.
Molecular consequence: missense variant. On other transcripts: 3 prime UTR variant (1), non-coding transcript variant (2), intron variant (1).
Genome position (GRCh38, 1-based): chr5:55,952,268, C>T on the plus strand (G>A on the coding strand, the complement: IL6ST is on the minus strand). VCF-style: chr5-55952268-C-T. GRCh37 (hg19) VCF-style: chr5-55248096-C-T.
Other names: c.1351G>A, p.Ala451Thr (NM_001190981.2); c.1324G>A, p.Ala442Thr (NM_001364276.2); c.667G>A, p.Ala223Thr (NM_001364277.2); c.631G>A, p.Ala211Thr (NM_001364278.2); c.538G>A, p.Ala180Thr (NM_001364279.2); c.*461G>A (NM_175767.3); c.1451-193G>A (NM_001364275.2); short protein forms A211T, A180T, A223T, A442T, A451T, A512T.
Identifiers: ClinVar variation 1477165 (VCV001477165.8), dbSNP rs1002835330, ClinGen allele CA119047377.
Genomic context (GRCh38, chr5:55,952,268, plus strand): 5'-AGCCCTAAACTTTTTTTTTCAAAGAAGTGAGTTTGGACTTACGAGCTTGTTTAAGGTATG[C>T]CTTTATGGATTCAGGGCTTCCTGGTCCATCAGCATATACTGGAGTAACTGTTATCAAATA-3'
Protein context (NP_002175.2, residues 502-522): DGPGSPESIK[Ala512Thr]YLKQAPPSKG